The following is an entry in ClinVar:

ClinVar aggregate classification (germline): Uncertain significance. Review status: criteria provided, multiple submitters, no conflicts (2 of 4 stars). 5 submissions from 5 submitters: Uncertain significance (4). 1 of the submissions does not count toward it. Last evaluated 2024-06-28.

Conditions:
RYR1-related disorder. Also called: RYR1-related disorders; RYR1-related condition. Identifiers: MedGen CN239331.
Congenital multicore myopathy with external ophthalmoplegia (CMYO1B). Also called: MULTIMINICORE DISEASE WITH EXTERNAL OPHTHALMOPLEGIA; Congenital myopathy 1B, autosomal recessive; Minicore myopathy; Minicore myopathy with external ophthalmoplegia; MULTICORE MYOPATHY. Identifiers: Orphanet 598, Orphanet 98905, MedGen C1850674, MONDO:0009712, OMIM 255320, HP:0003789.
Congenital myopathy with fiber type disproportion. Also called: Congenital fiber-type disproportion myopathy; Congenital fiber-type disproportion. Identifiers: Orphanet 2020, MedGen C0546264, MONDO:0009711. Inheritance: all.
Malignant hyperthermia, susceptibility to, 1 (MHS1). Also called: Anesthesia related hyperthermia; Malignant hyperpyrexia; Fulminating hyperpyrexia; Pharmacogenic myopathy; RYR1-Related Malignant Hyperthermia Susceptibility; Malignant hyperthermia suceptibility 1. Identifiers: Orphanet 423, MedGen C2930980, MONDO:0007783, OMIM 145600.
Central core myopathy (CMYO1A). Also called: CONGENITAL MYOPATHY 1A, AUTOSOMAL DOMINANT, WITH SUSCEPTIBILITY TO MALIGNANT HYPERTHERMIA; Central core disease; Myopathy, central fibrillar. Identifiers: Orphanet 597, MedGen C5830701, MONDO:0007294, OMIM 117000.
King Denborough syndrome (KDS). Identifiers: MedGen C1840365, MONDO:0020485, OMIM 619542.

Allele frequency attached by ClinVar (database versions not stated): gnomAD 0.00001; ExAC 0.00002; gnomAD exomes 0.00002 and 0.00004; TOPMed 0.00002.
gnomAD v4.1: 39 of 1,614,038 alleles (0.0024%); highest among the groups gnomAD compares: East Asian, 0.011%; no homozygotes.

Submissions (5):

Labcorp Genetics (formerly Invitae), Labcorp
Classification: Uncertain significance for RYR1-related disorder. Last evaluated: 2024-06-28. Review status: criteria provided, single submitter. Criteria: Invitae Variant Classification Sherloc (09022015). Collection method: clinical testing. Allele origin: germline.
Comment: This sequence change replaces arginine, which is basic and polar, with cysteine, which is neutral and slightly polar, at codon 628 of the RYR1 protein (p.Arg628Cys). This variant is present in population databases (rs757284447, gnomAD 0.02%). This missense change has been observed in individual(s) with statin myopathy (PMID: 30325262). ClinVar contains an entry for this variant (Variation ID: 590491). Advanced modeling of protein sequence and biophysical properties (such as structural, functional, and spatial information, amino acid conservation, physicochemical variation, residue mobility, and thermodynamic stability) performed at Invitae indicates that this missense variant is expected to disrupt RYR1 protein function with a positive predictive value of 95%. In summary, the available evidence is currently insufficient to determine the role of this variant in disease. Therefore, it has been classified as a Variant of Uncertain Significance.

Revvity Omics, Revvity
Classification: Uncertain significance. Last evaluated: 2024-06-21. Review status: criteria provided, single submitter. Criteria: ACMG Guidelines, 2015. Collection method: clinical testing. Allele origin: germline.

Fulgent Genetics
Classification: Uncertain significance for Central core myopathy; Malignant hyperthermia, susceptibility to, 1; Congenital myopathy 4A, autosomal dominant; Congenital multicore myopathy with external ophthalmoplegia; King Denborough syndrome. Last evaluated: 2021-09-03. Review status: criteria provided, single submitter. Criteria: ACMG Guidelines, 2015. Collection method: clinical testing. Allele origin: unknown.

Breakthrough Genomics
Classification: Uncertain significance. Review status: criteria provided, single submitter. Criteria: ACMG Guidelines, 2015. Collection method: not provided. Allele origin: germline. Inheritance: Autosomal dominant inheritance. Affected: yes.

PreventionGenetics, part of Exact Sciences
Classification: Uncertain significance for RYR1-related condition. Last evaluated: 2023-12-13. Review status: no assertion criteria provided. Collection method: clinical testing. Allele origin: germline. Not counted in ClinVar's aggregate classification.
Comment: The RYR1 c.1882C>T variant is predicted to result in the amino acid substitution p.Arg628Cys. This variant is reported in 0.015% of alleles in individuals of East Asian descent in gnomAD. At this time, the clinical significance of this variant is uncertain due to the absence of conclusive functional and genetic evidence.

Literature cited by the submitters: PubMed 30325262 (cited by Labcorp Genetics (formerly Invitae), Labcorp).

NM_000540.3(RYR1):c.1882C>T (p.Arg628Cys)

Gene: RYR1 (ryanodine receptor 1; plus strand). Cytogenetic location: 19q13.2.
Variant type: single nucleotide variant.
Coding change: c.1882C>T on transcript NM_000540.3 (MANE Select); coding-DNA position 1882, C replaced by T.
Protein change: p.Arg628Cys; replaces arginine 628 with cysteine.
Molecular consequence: missense variant.
Genome position (GRCh38, 1-based): chr19:38,457,587, C>T. VCF-style: chr19-38457587-C-T. GRCh37 (hg19) VCF-style: chr19-38948227-C-T.
Other names: c.1882C>T, p.Arg628Cys (NM_001042723.2); short protein forms R628C.
Identifiers: ClinVar variation 590491 (VCV000590491.11), dbSNP rs757284447, ClinGen allele CA062535.